The following is an entry in ClinVar:

NM_006361.6(HOXB13):c.344_353dup (p.Glu118fs)

Gene: HOXB13 (homeobox B13; minus strand). Cytogenetic location: 17q21.32.
Variant type: Duplication.
Coding change: c.344_353dup on transcript NM_006361.6 (MANE Select); coding-DNA positions 344 to 353, 10 bases duplicated (CGGCCGGGGA; older notation c.344_353dupCGGCCGGGGA).
Protein change: p.Glu118fs; shifts the reading frame from glutamic acid 118.
Molecular consequence: frameshift variant.
Genome position (GRCh38, 1-based): chr17:48,728,241-48,728,250, TCCCCGGCCG duplicated on the plus strand (CGGCCGGGGA on the coding strand, the reverse complement: HOXB13 is on the minus strand); duplicating any 10 consecutive bases within chr17:48,728,241-48,728,251 gives the same sequence; the c. name uses the placement nearest the transcript's 3' end. VCF-style (leftmost placement, unchanged base first): chr17-48728240-T-TTCCCCGGCCG. GRCh37 (hg19) VCF-style: chr17-46805602-T-TTCCCCGGCCG.
Other names: short protein forms E118fs.
Identifiers: ClinVar variation 4712502 (VCV004712502.1).

ClinVar aggregate classification (germline): Uncertain significance (1 of 4 stars; one submission).

Submission:

Labcorp Genetics (formerly Invitae), Labcorp
Classification: Uncertain significance. Last evaluated: 2025-02-06. Review status: criteria provided, single submitter. Criteria: Invitae Variant Classification Sherloc (09022015). Collection method: clinical testing. Allele origin: germline.
Comment: This sequence change creates a premature translational stop signal (p.Glu118Aspfs*12) in the HOXB13 gene. It is expected to result in an absent or disrupted protein product. However, the current clinical and genetic evidence is not sufficient to establish whether loss-of-function variants in HOXB13 cause disease. This variant is not present in population databases (gnomAD no frequency). This variant has not been reported in the literature in individuals affected with HOXB13-related conditions. In summary, the available evidence is currently insufficient to determine the role of this variant in disease. Therefore, it has been classified as a Variant of Uncertain Significance.